The following is an entry in ClinVar:

NM_018489.3(ASH1L):c.1570C>T (p.Pro524Ser)

Gene: ASH1L (ASH1 like histone lysine methyltransferase; minus strand). Cytogenetic location: 1q22.
Variant type: single nucleotide variant.
Coding change: c.1570C>T on transcript NM_018489.3 (MANE Select); coding-DNA position 1570, C replaced by T.
Protein change: p.Pro524Ser; replaces proline 524 with serine.
Molecular consequence: missense variant.
Genome position (GRCh38, 1-based): chr1:155,481,300, G>A on the plus strand (C>T on the coding strand, the complement: ASH1L is on the minus strand). VCF-style: chr1-155481300-G-A. GRCh37 (hg19) VCF-style: chr1-155451091-G-A.
Other names: c.1570C>T, p.Pro524Ser (NM_001366177.2); short protein forms P524S.
Identifiers: ClinVar variation 1679671 (VCV001679671.1), dbSNP rs143322824, ClinGen allele CA1147333.

ClinVar aggregate classification (germline): Uncertain significance (1 of 4 stars; one submission).

Conditions:
Intellectual developmental disorder, autosomal dominant 52. Also called: Intellectual disability, autosomal dominant 52; Mental retardation, autosomal dominant 52. Identifiers: MedGen C4540478, MONDO:0030918, OMIM 617796.

Allele frequency attached by ClinVar (database versions not stated): gnomAD 0.00001 and 0.00003; gnomAD exomes 0.00001; 1000 Genomes Project 30x 0.00016; ExAC 0.00001; TOPMed 0.00002; 1000 Genomes Project 0.00020.
gnomAD v4.1: 13 of 1,614,138 alleles (0.00081%); highest among the groups gnomAD compares: African/African-American, 0.011%; no homozygotes.

Submission:

New York Genome Center
Classification: Uncertain significance for Intellectual developmental disorder, autosomal dominant 52. Last evaluated: 2021-07-02. Review status: criteria provided, single submitter. Criteria: NYGC Assertion Criteria 2020. Collection method: clinical testing. Allele origin: germline. Observed: 1 heterozygote. Study: CSER-NYCKidSeq.
Comment: The heterozygous c.1570C>T (p.Pro524Ser) missense variant identified in the ASH1L gene has not been reported in affected individuals in theliterature. The variant has 0.00002628 allele frequency in the gnomAD(v3) database (4 out of 152180 heterozygous alleles, no homozygotes) suggesting it is not a common benign variant in the populations represented in that database. The variant affects an evolutionarily conserved residue and is predicted deleterious by multiple in silico prediction tools (CADD score = 23.4, REVEL score = 0.523). Based on the available evidence, the heterozygous c.1570C>T (p.Pro524Ser) missense variant identified in the ASH1L gene is reported as a variant of uncertain significance.